The following is an entry in ClinVar:

ClinVar aggregate classification (germline): Uncertain significance (1 of 4 stars; one submission).

Submission:

GeneDx
Classification: Uncertain significance. Last evaluated: 2020-05-12. Review status: criteria provided, single submitter. Criteria: GeneDx Variant Classification Process June 2021. Collection method: clinical testing. Allele origin: germline. Affected: yes.
Comment: Not observed in large population cohorts (Lek et al., 2016); In silico analysis supports that this missense variant has a deleterious effect on protein structure/function; Has not been previously published as pathogenic or benign to our knowledge

NM_005629.4(SLC6A8):c.716T>C (p.Leu239Pro)

Gene: SLC6A8 (solute carrier family 6 member 8; plus strand). Cytogenetic location: Xq28.
Variant type: single nucleotide variant.
Coding change: c.716T>C on transcript NM_005629.4 (MANE Select); coding-DNA position 716, T replaced by C.
Protein change: p.Leu239Pro; replaces leucine 239 with proline.
Molecular consequence: missense variant.
Genome position (GRCh38, 1-based): chrX:153,692,046, T>C. VCF-style: chrX-153692046-T-C. GRCh37 (hg19) VCF-style: chrX-152957501-T-C.
Other names: c.716T>C, p.Leu239Pro (NM_001142805.2); c.371T>C, p.Leu124Pro (NM_001142806.1); short protein forms L124P, L239P.
Identifiers: ClinVar variation 1304431 (VCV001304431.2), dbSNP rs2148361704, ClinGen allele CA415080198.